The following is an entry in ClinVar:

NM_001385079.1(PDE10A):c.2913del (p.Lys971fs)

Gene: PDE10A (phosphodiesterase 10A; minus strand). Cytogenetic location: 6q27.
Variant type: Deletion.
Coding change: c.2913del on transcript NM_001385079.1 (MANE Select); coding-DNA position 2913, one base deleted (A; older notation c.2913delA).
Protein change: p.Lys971fs; shifts the reading frame from lysine 971.
Molecular consequence: frameshift variant.
Genome position (GRCh38, 1-based): chr6:165,339,341, T deleted on the plus strand (A on the coding strand, the reverse complement: PDE10A is on the minus strand); the first of 3 consecutive T bases (chr6:165,339,341-165,339,343); deleting any one gives the same sequence. VCF-style (leftmost placement, unchanged base first): chr6-165339340-AT-A. GRCh37 (hg19) VCF-style: chr6-165752829-AT-A.
Other names: c.2115del, p.Lys705fs (NM_001130690.3); c.2085del, p.Lys695fs (NM_006661.4); short protein forms K971fs, K695fs, K705fs.
Identifiers: ClinVar variation 3781243 (VCV003781243.1).

ClinVar aggregate classification (germline): Uncertain significance (1 of 4 stars; one submission).

Submission:

GeneDx
Classification: Uncertain significance. Last evaluated: 2024-10-16. Review status: criteria provided, single submitter. Criteria: GeneDx Variant Classification Process June 2021. Collection method: clinical testing. Allele origin: germline. Affected: yes.
Comment: Frameshift variant predicted to result in protein truncation or nonsense mediated decay in a gene or region of a gene for which loss of function is not a well-established mechanism of disease; Not observed at significant frequency in large population cohorts (gnomAD); Has not been previously published as pathogenic or benign to our knowledge